The following is an entry in ClinVar:

ClinVar aggregate classification (germline): Uncertain significance (1 of 4 stars; one submission).

Conditions:
Atrial standstill 1 (ATRST1). Also called: ATRIAL CARDIOMYOPATHY WITH HEART BLOCK; CARDIOMYOPATHY, FAMILIAL, WITH CONDUCTION DISTURBANCE; Atrial standstill, digenic (GJA5/SCN5A). Identifiers: Orphanet 1344, MedGen C4551959, MONDO:0007171, OMIM 108770.
Atrial fibrillation, familial, 11 (ATFB11). Identifiers: MedGen C3279693, MONDO:0013544, OMIM 614049.

Allele frequency attached by ClinVar (database versions not stated): TOPMed 0.00002.

Submission:

Labcorp Genetics (formerly Invitae), Labcorp
Classification: Uncertain significance for Atrial fibrillation, familial, 11; Atrial standstill 1. Last evaluated: 2022-11-12. Review status: criteria provided, single submitter. Criteria: Invitae Variant Classification Sherloc (09022015). Collection method: clinical testing. Allele origin: germline.
Comment: This sequence change replaces cysteine, which is neutral and slightly polar, with arginine, which is basic and polar, at codon 54 of the GJA5 protein (p.Cys54Arg). This variant is not present in population databases (gnomAD no frequency). This variant has not been reported in the literature in individuals affected with GJA5-related conditions. Advanced modeling of protein sequence and biophysical properties (such as structural, functional, and spatial information, amino acid conservation, physicochemical variation, residue mobility, and thermodynamic stability) performed at Invitae indicates that this missense variant is expected to disrupt GJA5 protein function. In summary, the available evidence is currently insufficient to determine the role of this variant in disease. Therefore, it has been classified as a Variant of Uncertain Significance.

NM_181703.4(GJA5):c.160T>C (p.Cys54Arg)

Gene: GJA5 (gap junction protein alpha 5; minus strand). Cytogenetic location: 1q21.2.
Variant type: single nucleotide variant.
Coding change: c.160T>C on transcript NM_181703.4 (MANE Select); coding-DNA position 160, T replaced by C.
Protein change: p.Cys54Arg; replaces cysteine 54 with arginine.
Molecular consequence: missense variant.
Genome position (GRCh38, 1-based): chr1:147,759,079, A>G on the plus strand (T>C on the coding strand, the complement: GJA5 is on the minus strand). VCF-style: chr1-147759079-A-G. GRCh37 (hg19) VCF-style: chr1-147231187-A-G.
Other names: c.160T>C, p.Cys54Arg (NM_005266.7); short protein forms C54R.
Identifiers: ClinVar variation 1939387 (VCV001939387.5), dbSNP rs1216121818, ClinGen allele CA342398058.